The following is an entry in ClinVar:

NM_000287.4(PEX6):c.1931G>A (p.Arg644Gln)

Gene: PEX6 (peroxisomal biogenesis factor 6; minus strand). Cytogenetic location: 6p21.1.
Variant type: single nucleotide variant.
Coding change: c.1931G>A on transcript NM_000287.4 (MANE Select); coding-DNA position 1931, G replaced by A.
Protein change: p.Arg644Gln; replaces arginine 644 with glutamine.
Molecular consequence: missense variant. On other transcripts: non-coding transcript variant (1).
Genome position (GRCh38, 1-based): chr6:42,966,812, C>T on the plus strand (G>A on the coding strand, the complement: PEX6 is on the minus strand). VCF-style: chr6-42966812-C-T. GRCh37 (hg19) VCF-style: chr6-42934550-C-T.
Other names: c.1667G>A, p.Arg556Gln (NM_001316313.2); short protein forms R644Q, R556Q.
Identifiers: ClinVar variation 911291 (VCV000911291.12), dbSNP rs746117128, ClinGen allele CA3811177.

ClinVar aggregate classification (germline): Uncertain significance. Review status: criteria provided, multiple submitters, no conflicts (2 of 4 stars). 8 submissions from 8 submitters: Uncertain significance (6). 2 of the submissions do not count toward it. Last evaluated 2025-12-08.

Conditions:
PEX6-related disorder. Also called: PEX6-related condition; PEX6-related disorders.
Peroxisome biogenesis disorder. Identifiers: Orphanet 79189, MedGen C1832200, MONDO:0019234. Disease mechanism: loss of function.
Zellweger spectrum disorders (ZS). Also called: Zellweger Spectrum Disorder; Zellweger Spectrum; Zellweger syndrome; Zellweger Spectrum Disorder (ZSD). Identifiers: Orphanet 912, MedGen C0043459, MONDO:0019609.
Peroxisome biogenesis disorder 4A (Zellweger) (PBD4A). Also called: Zellweger syndrome spectrum (PEX6-related). Identifiers: Orphanet 912, MedGen C3553936, MONDO:0013930, OMIM 614862. Disease mechanism: loss of function.
Peroxisome biogenesis disorder 4B (PBD4B). Also called: SPINOCEREBELLAR ATAXIA WITH BLINDNESS AND DEAFNESS 1. Identifiers: Orphanet 44, Orphanet 95433, MedGen C3553937, MONDO:0013931, OMIM 614863.
Heimler syndrome 2 (HMLR2). Also called: PEROXISOME BIOGENESIS DISORDER 4C. Identifiers: Orphanet 3220, MedGen C4225267, OMIM 616617, MONDO:0014709.
Inborn genetic diseases. Identifiers: MedGen C0950123, MeSH D030342.

Allele frequency attached by ClinVar (database versions not stated): gnomAD 0.00001; TOPMed 0.00001; gnomAD exomes 0.00002 and 0.00004; ExAC 0.00005.

Submissions (8):

PreventionGenetics, part of Exact Sciences
Classification: Uncertain significance for PEX6-related condition. Last evaluated: 2025-12-08. Review status: criteria provided, single submitter. Criteria: ACMG Guidelines, 2015. Collection method: clinical testing. Allele origin: germline.
Comment: The PEX6 c.1931G>A variant is predicted to result in the amino acid substitution p.Arg644Gln. This variant has been reported in the homozygous state in an individual with autosomal recessive peroxisome biogenesis disorder (Alfadhel et al. 2021. PubMed ID: 34055681). This variant is reported in 0.020% of alleles in individuals of Latino descent in gnomAD. At this time, the clinical significance of this variant is uncertain due to the absence of conclusive functional and genetic evidence.

Blueprint Genetics
Classification: Uncertain significance. Last evaluated: 2024-03-05. Review status: criteria provided, single submitter. Criteria: ACMG Guidelines, 2015. Collection method: clinical testing. Allele origin: germline.

Labcorp Genetics (formerly Invitae), Labcorp
Classification: Uncertain significance for Peroxisome biogenesis disorder. Last evaluated: 2022-09-01. Review status: criteria provided, single submitter. Criteria: Invitae Variant Classification Sherloc (09022015). Collection method: clinical testing. Allele origin: germline.
Comment: This sequence change replaces arginine, which is basic and polar, with glutamine, which is neutral and polar, at codon 644 of the PEX6 protein (p.Arg644Gln). This variant is present in population databases (rs746117128, gnomAD 0.02%). This missense change has been observed in individual(s) with clinical features of Zellweger syndrome spectrum (PMID: 34055681). ClinVar contains an entry for this variant (Variation ID: 911291). Algorithms developed to predict the effect of missense changes on protein structure and function (SIFT, PolyPhen-2, Align-GVGD) all suggest that this variant is likely to be tolerated. In summary, the available evidence is currently insufficient to determine the role of this variant in disease. Therefore, it has been classified as a Variant of Uncertain Significance.

Fulgent Genetics
Classification: Uncertain significance for Peroxisome biogenesis disorder 4A (Zellweger); Peroxisome biogenesis disorder 4B; Heimler syndrome 2. Last evaluated: 2021-09-03. Review status: criteria provided, single submitter. Criteria: ACMG Guidelines, 2015. Collection method: clinical testing. Allele origin: unknown.

Ambry Genetics
Classification: Uncertain significance for Inborn genetic diseases. Last evaluated: 2021-07-26. Review status: criteria provided, single submitter. Criteria: Ambry Variant Classification Scheme 2023. Collection method: clinical testing. Allele origin: germline.

Illumina Laboratory Services, Illumina
Classification: Uncertain significance for Peroxisome biogenesis disorder 4A (Zellweger). Last evaluated: 2018-01-13. Review status: criteria provided, single submitter. Criteria: ICSL Variant Classification Criteria 13 December 2019. Collection method: clinical testing. Allele origin: germline.

Natera, Inc.
Classification: Uncertain significance for Zellweger syndrome. Last evaluated: 2020-04-28. Review status: no assertion criteria provided. Collection method: clinical testing. Allele origin: germline. Not counted in ClinVar's aggregate classification.

Department of Pathology and Laboratory Medicine, Sinai Health System
Classification: Uncertain significance. Review status: no assertion criteria provided. Collection method: clinical testing. Allele origin: unknown. Affected: yes. Study: The Canadian Open Genetics Repository (COGR). Not counted in ClinVar's aggregate classification.
Comment: The PEX6 p.Arg644Gln variant was not identified in the literature nor was it identified in ClinVar, Cosmic or LOVD 3.0. The variant was identified in dbSNP (ID: rs746117128) and was found in control databases in 13 of 282672 chromosomes at a frequency of 0.000046 (Genome Aggregation Database Feb 27, 2017). The variant was observed in the following populations: Latino in 7 of 35440 chromosomes (freq: 0.000198), Other in 1 of 7220 chromosomes (freq: 0.000139), European (Finnish) in 1 of 25030 chromosomes (freq: 0.00004) and European (non-Finnish) in 4 of 129098 chromosomes (freq: 0.000031), while the variant was not observed in the African, Ashkenazi Jewish, East Asian and South Asian populations. The variant occurs outside of the splicing consensus sequence and in silico or computational prediction software programs (SpliceSiteFinder, MaxEntScan, NNSPLICE, GeneSplicer) do not predict a difference in splicing. The p.Arg644 residue is conserved in mammals but not in more distantly related organisms however four out of five computational analyses (PolyPhen-2, SIFT, AlignGVGD, MutationTaster) do not suggest a high likelihood of impact to the protein; this information is not predictive enough to rule out pathogenicity. In summary, based on the above information the clinical significance of this variant cannot be determined with certainty at this time. This variant is classified as a variant of uncertain significance.

Literature cited by the submitters: PubMed 34055681 (cited by Labcorp Genetics (formerly Invitae), Labcorp).